The following is an entry in ClinVar:

NM_001453.3(FOXC1):c.34T>A (p.Ser12Thr)

Gene: FOXC1 (forkhead box C1; plus strand). Cytogenetic location: 6p25.3.
Variant type: single nucleotide variant.
Coding change: c.34T>A on transcript NM_001453.3 (MANE Select); coding-DNA position 34, T replaced by A.
Protein change: p.Ser12Thr; replaces serine 12 with threonine.
Molecular consequence: missense variant.
Genome position (GRCh38, 1-based): chr6:1,610,479, T>A. VCF-style: chr6-1610479-T-A. GRCh37 (hg19) VCF-style: chr6-1610714-T-A.
Other names: short protein forms S12T.
Identifiers: ClinVar variation 2802857 (VCV002802857.3), dbSNP rs2480501228, ClinGen allele CA362557936.
Genomic context (GRCh38, chr6:1,610,479, plus strand): 5'-GGCGCGGGGCGGCGGCGAGCGGGGGCCATGCAGGCGCGCTACTCCGTGTCCAGCCCCAAC[T>A]CCCTGGGAGTGGTGCCCTACCTCGGCGGCGAGCAGAGCTACTACCGCGCGGCGGCCGCGG-3'
Protein context (NP_001444.2, residues 2-22): QARYSVSSPN[Ser12Thr]LGVVPYLGGE

ClinVar aggregate classification (germline): Uncertain significance (1 of 4 stars; one submission).

Conditions:
Axenfeld-Rieger syndrome type 3 (RIEG3). Also called: AXENFELD-RIEGER ANOMALY WITH CARDIAC DEFECTS AND/OR SENSORINEURAL HEARING LOSS. Identifiers: Orphanet 782, MedGen C2678503, MONDO:0011233, OMIM 602482.

Submission:

Labcorp Genetics (formerly Invitae), Labcorp
Classification: Uncertain significance for Axenfeld-Rieger syndrome type 3. Last evaluated: 2023-07-12. Review status: criteria provided, single submitter. Criteria: Invitae Variant Classification Sherloc (09022015). Collection method: clinical testing. Allele origin: germline.
Comment: This sequence change replaces serine, which is neutral and polar, with threonine, which is neutral and polar, at codon 12 of the FOXC1 protein (p.Ser12Thr). This variant is not present in population databases (gnomAD no frequency). This variant has not been reported in the literature in individuals affected with FOXC1-related conditions. An algorithm developed to predict the effect of missense changes on protein structure and function (PolyPhen-2) suggests that this variant is likely to be disruptive. In summary, the available evidence is currently insufficient to determine the role of this variant in disease. Therefore, it has been classified as a Variant of Uncertain Significance.